The following is an entry in ClinVar:

ClinVar aggregate classification (germline): Conflicting classifications of pathogenicity. Review status: criteria provided, conflicting classifications (1 of 4 stars). 2 submissions from 2 submitters: Uncertain significance (1); Likely benign (1). Last evaluated 2023-08-10.

Conditions:
Alagille syndrome due to a JAG1 point mutation. Also called: Alagille Syndrome 1; HEPATIC DUCTULAR HYPOPLASIA, SYNDROMATIC; JAG1-Related Alagille Syndrome. Identifiers: Orphanet 261619, Orphanet 52, MedGen C1956125, MONDO:0016862, OMIM 118450.
Cardiovascular phenotype. Identifiers: MedGen CN230736.

Allele frequency attached by ClinVar (database versions not stated): ExAC 0.00002; gnomAD exomes 0.00001 and below 0.00001; gnomAD 0.00002; TOPMed 0.00002.
gnomAD v4.1: 4 of 1,612,840 alleles (0.00025%); highest among the groups gnomAD compares: African/African-American, 0.004%; no homozygotes.

Submissions (2):

Labcorp Genetics (formerly Invitae), Labcorp
Classification: Likely benign for Alagille syndrome due to a JAG1 point mutation. Last evaluated: 2023-08-10. Review status: criteria provided, single submitter. Criteria: Invitae Variant Classification Sherloc (09022015). Collection method: clinical testing. Allele origin: germline.

Ambry Genetics
Classification: Uncertain significance for Cardiovascular phenotype. Last evaluated: 2022-08-30. Review status: criteria provided, single submitter. Criteria: Ambry Variant Classification Scheme 2023. Collection method: clinical testing. Allele origin: germline.
Comment: The p.G696E variant (also known as c.2087G>A), located in coding exon 16 of the JAG1 gene, results from a G to A substitution at nucleotide position 2087. The glycine at codon 696 is replaced by glutamic acid, an amino acid with similar properties. This amino acid position is conserved. In addition, this alteration is predicted to be deleterious by in silico analysis. Since supporting evidence is limited at this time, the clinical significance of this alteration remains unclear.

NM_000214.3(JAG1):c.2087G>A (p.Gly696Glu)

Gene: JAG1 (jagged canonical Notch ligand 1; minus strand). Cytogenetic location: 20p12.2.
Variant type: single nucleotide variant.
Coding change: c.2087G>A on transcript NM_000214.3 (MANE Select); coding-DNA position 2087, G replaced by A.
Protein change: p.Gly696Glu; replaces glycine 696 with glutamic acid.
Molecular consequence: missense variant.
Genome position (GRCh38, 1-based): chr20:10,645,382, C>T on the plus strand (G>A on the coding strand, the complement: JAG1 is on the minus strand). VCF-style: chr20-10645382-C-T. GRCh37 (hg19) VCF-style: chr20-10626030-C-T.
Other names: short protein forms G696E.
Identifiers: ClinVar variation 861631 (VCV000861631.11), dbSNP rs780243244, ClinGen allele CA9764657.